The following is an entry in ClinVar:

ClinVar aggregate classification (germline): Uncertain significance (1 of 4 stars; one submission).

Conditions:
Atrioventricular septal defect 5 (AVSD5). Identifiers: MedGen C3280939, MONDO:0013769, OMIM 614474.

Submission:

Labcorp Genetics (formerly Invitae), Labcorp
Classification: Uncertain significance for Atrioventricular septal defect 5. Last evaluated: 2022-11-15. Review status: criteria provided, single submitter. Criteria: Invitae Variant Classification Sherloc (09022015). Collection method: clinical testing. Allele origin: germline.
Comment: In summary, the available evidence is currently insufficient to determine the role of this variant in disease. Therefore, it has been classified as a Variant of Uncertain Significance. Algorithms developed to predict the effect of missense changes on protein structure and function (SIFT, PolyPhen-2, Align-GVGD) all suggest that this variant is likely to be tolerated. This variant has not been reported in the literature in individuals affected with GATA6-related conditions. This variant is not present in population databases (gnomAD no frequency). This sequence change replaces alanine, which is neutral and non-polar, with threonine, which is neutral and polar, at codon 213 of the GATA6 protein (p.Ala213Thr).

NM_005257.6(GATA6):c.637G>A (p.Ala213Thr)

Gene: GATA6 (GATA binding protein 6; plus strand). Cytogenetic location: 18q11.2.
Variant type: single nucleotide variant.
Coding change: c.637G>A on transcript NM_005257.6 (MANE Select); coding-DNA position 637, G replaced by A.
Protein change: p.Ala213Thr; replaces alanine 213 with threonine.
Molecular consequence: missense variant.
Genome position (GRCh38, 1-based): chr18:22,171,781, G>A. VCF-style: chr18-22171781-G-A. GRCh37 (hg19) VCF-style: chr18-19751742-G-A.
Other names: short protein forms A213T.
Identifiers: ClinVar variation 2859476 (VCV002859476.3), dbSNP rs2510626026, ClinGen allele CA401800277.